The following is an entry in ClinVar:

NM_012452.3(TNFRSF13B):c.118T>C (p.Trp40Arg)

Gene: TNFRSF13B (TNF receptor superfamily member 13B; minus strand). Cytogenetic location: 17p11.2.
Variant type: single nucleotide variant.
Coding change: c.118T>C on transcript NM_012452.3 (MANE Select); coding-DNA position 118, T replaced by C.
Protein change: p.Trp40Arg; replaces tryptophan 40 with arginine.
Molecular consequence: missense variant.
Genome position (GRCh38, 1-based): chr17:16,952,527, A>G on the plus strand (T>C on the coding strand, the complement: TNFRSF13B is on the minus strand). VCF-style: chr17-16952527-A-G. GRCh37 (hg19) VCF-style: chr17-16855841-A-G.
Other names: short protein forms W40R.
Identifiers: ClinVar variation 803326 (VCV000803326.10), dbSNP rs72553874, ClinGen allele CA8414111.
Genomic context (GRCh38, chr17:16,952,527, plus strand): 5'-GCTGGCTCTGATGGTTGCAAATGGTTTTGCAGGACATGCAGGTACCCAGCAGAGGATCCC[A>G]GTACTGCTCTTCGGGGCAGGATCTCATAGCCACCCCCGTCCACAGGCCCTGTGGAACTGA-3'
Protein context (NP_036584.1, residues 30-50): AMRSCPEEQY[Trp40Arg]DPLLGTCMSC

ClinVar aggregate classification (germline): Uncertain significance. Review status: criteria provided, multiple submitters, no conflicts (2 of 4 stars). 7 submissions from 7 submitters: Uncertain significance (7). Last evaluated 2026-08-06.

Conditions:
Immunodeficiency, common variable, 2 (CVID2). Also called: HYPOGAMMAGLOBULINEMIA DUE TO TACI DEFICIENCY; ANTIBODY DEFICIENCY DUE TO TACI DEFECT. Identifiers: Orphanet 1572, MedGen C3150354, MONDO:0009413, OMIM 240500.
Immunoglobulin A deficiency 2 (IGAD2). Identifiers: MedGen C1836032, MONDO:0012291, OMIM 609529.

Allele frequency attached by ClinVar (database versions not stated): gnomAD exomes 0.00002 and 0.00004; ExAC 0.00007; gnomAD 0.00007 and 0.00009; ESP Exome Variant Server 0.00008; TOPMed 0.00014; 1000 Genomes Project 30x 0.00078; 1000 Genomes Project 0.00080.
gnomAD v4.1: 44 of 1,614,222 alleles (0.0027%); highest among the groups gnomAD compares: Admixed American, 0.032%; no homozygotes.

Submissions (7):

OLLIN Analises Genomicas, OLLIN
Classification: Uncertain significance for Immunodeficiency, common variable, 2. Last evaluated: 2026-08-06. Review status: criteria provided, single submitter. Criteria: ACMG Guidelines 2015 PMID 25741868. Collection method: clinical testing. Allele origin: germline.
Comment: This missense variant, located in exon 2 (of 5), has been reported in ClinVar (accession VCV000803326.7) and in gnomAD with an allele frequency of 0.0027%. However, to our knowledge, it has not been reported in the scientific literature. In silico analysis predicts that this variant has a deleterious effect. According to the currently available evidence, this variant has been classified as uncertain significance (PM2_P, PP3_P).

Dasa
Classification: Uncertain significance. Last evaluated: 2025-05-28. Review status: criteria provided, single submitter. Criteria: DASA Assertion Criteria. Collection method: clinical testing. Allele origin: germline.
Comment: NM_012452.3(TNFRSF13B):c.118T>C (p.Trp40Arg) is a missense variant that results in the substitution of tryptophan with arginine. This variant has been recurrently observed in individuals with TNFRSF13B-related disorders (PMID: 18981294; PMID: 21419480; PMID: 22076597; PMID: 26096648). Functional evidence supports an impact on the gene or gene product (PMID: 18981294; PMID: 21419480; PMID: 22076597; PMID: 26096648). Also, this variant is rare in population databases. Computational prediction algorithms are consistent with a deleterious effect. The currently available literature and clinical evidence are not sufficient to establish a definitive association between this variant and the reported condition. Therefore, this variant is classified as a variant of uncertain significance.

Blueprint Genetics
Classification: Uncertain significance. Last evaluated: 2024-08-27. Review status: criteria provided, single submitter. Criteria: ACMG Guidelines, 2015. Collection method: clinical testing. Allele origin: germline.

Fulgent Genetics
Classification: Uncertain significance for Immunodeficiency, common variable, 2; Immunoglobulin A deficiency 2. Last evaluated: 2024-06-12. Review status: criteria provided, single submitter. Criteria: ACMG Guidelines, 2015. Collection method: clinical testing. Allele origin: germline.

GeneDx
Classification: Uncertain significance. Last evaluated: 2022-09-12. Review status: criteria provided, single submitter. Criteria: GeneDx Variant Classification Process June 2021. Collection method: clinical testing. Allele origin: germline. Affected: yes.
Comment: Identified in a patient with common variable immune deficiency in published literature (Salzer et al., 2009); In silico analysis supports that this missense variant has a deleterious effect on protein structure/function; This variant is associated with the following publications: (PMID: 22076597, 26096648, 21419480, 18981294)

Labcorp Genetics (formerly Invitae), Labcorp
Classification: Uncertain significance for Immunodeficiency, common variable, 2. Last evaluated: 2022-08-16. Review status: criteria provided, single submitter. Criteria: Invitae Variant Classification Sherloc (09022015). Collection method: clinical testing. Allele origin: germline.
Comment: This sequence change replaces tryptophan, which is neutral and slightly polar, with arginine, which is basic and polar, at codon 40 of the TNFRSF13B protein (p.Trp40Arg). This variant is present in population databases (rs72553874, gnomAD 0.02%). This missense change has been observed in individual(s) with antibody deficiency (PMID: 18981294). ClinVar contains an entry for this variant (Variation ID: 803326). Algorithms developed to predict the effect of missense changes on protein structure and function are either unavailable or do not agree on the potential impact of this missense change (SIFT: "Deleterious"; PolyPhen-2: "Probably Damaging"; Align-GVGD: "Class C0"). Experimental studies have shown that this missense change does not substantially affect TNFRSF13B function (PMID: 21419480). In summary, the available evidence is currently insufficient to determine the role of this variant in disease. Therefore, it has been classified as a Variant of Uncertain Significance.

Mendelics
Classification: Uncertain significance for Immunodeficiency, common variable, 2. Last evaluated: 2019-05-28. Review status: criteria provided, single submitter. Criteria: Mendelics Assertion Criteria 2017. Collection method: clinical testing. Allele origin: unknown.

Literature cited by the submitters: PubMed 18981294 (cited by Dasa and Labcorp Genetics (formerly Invitae), Labcorp); PubMed 21419480 (cited by Dasa and Labcorp Genetics (formerly Invitae), Labcorp); PubMed 22076597 (cited by Dasa); PubMed 26096648 (cited by Dasa).